The following is an entry in ClinVar:

NM_005918.4(MDH2):c.551T>A (p.Leu184Gln)

Gene: MDH2 (malate dehydrogenase 2; plus strand). Cytogenetic location: 7q11.23.
Variant type: single nucleotide variant.
Coding change: c.551T>A on transcript NM_005918.4 (MANE Select); coding-DNA position 551, T replaced by A.
Protein change: p.Leu184Gln; replaces leucine 184 with glutamine.
Molecular consequence: missense variant. On other transcripts: intron variant (1).
Genome position (GRCh38, 1-based): chr7:76,060,494, T>A. VCF-style: chr7-76060494-T-A. GRCh37 (hg19) VCF-style: chr7-75689812-T-A.
Other names: c.230T>A, p.Leu77Gln (NM_001282404.2); c.429+2416T>A (NM_001282403.2); short protein forms L184Q, L77Q.
Identifiers: ClinVar variation 1748079 (VCV001748079.2), dbSNP rs1797916143, ClinGen allele CA367765196.

ClinVar aggregate classification (germline): Uncertain significance (1 of 4 stars; one submission).

Conditions:
Inborn genetic diseases. Identifiers: MedGen C0950123, MeSH D030342.

Allele frequency attached by ClinVar (database versions not stated): gnomAD exomes below 0.00001.
gnomAD v4.1: 3 of 1,614,130 alleles (0.00019%); highest among the groups gnomAD compares: Non-Finnish European, 0.00017%; no homozygotes.

Submission:

Ambry Genetics
Classification: Uncertain significance for Inborn genetic diseases. Last evaluated: 2022-02-05. Review status: criteria provided, single submitter. Criteria: Ambry Variant Classification Scheme 2023. Collection method: clinical testing. Allele origin: germline.
Comment: The p.L184Q variant (also known as c.551T>A), located in coding exon 5 of the MDH2 gene, results from a T to A substitution at nucleotide position 551. The leucine at codon 184 is replaced by glutamine, an amino acid with dissimilar properties. This amino acid position is conserved. In addition, this alteration is predicted to be deleterious by in silico analysis. Since supporting evidence is limited at this time, the clinical significance of this alteration remains unclear.